The following is an entry in ClinVar:

NM_001387283.1(SMARCA4):c.4172A>T (p.Lys1391Ile)

Gene: SMARCA4 (SWI/SNF related BAF chromatin remodeling complex subunit ATPase 4; plus strand). Cytogenetic location: 19p13.2.
Variant type: single nucleotide variant.
Coding change: c.4172A>T on transcript NM_001387283.1 (MANE Plus Clinical); coding-DNA position 4172, A replaced by T.
Protein change: p.Lys1391Ile; replaces lysine 1391 with isoleucine.
Molecular consequence: missense variant. On other transcripts: intron variant (7).
Genome position (GRCh38, 1-based): chr19:11,039,459, A>T. VCF-style: chr19-11039459-A-T. GRCh37 (hg19) VCF-style: chr19-11150135-A-T.
Other names: c.4172A>T, p.Lys1391Ile (NM_001128849.3); c.4073A>T, p.Lys1358Ile (NM_001411150.1); c.4171-1848A>T (NM_001128844.3, NM_003072.5); c.4072-1848A>T (NM_001128847.4, NM_001374457.1, NM_001128848.2); c.4072-1839A>T (NM_001128845.2, NM_001128846.2); short protein forms K1358I, K1391I.
Identifiers: ClinVar variation 4707513 (VCV004707513.1).

ClinVar aggregate classification (germline): Uncertain significance (1 of 4 stars; one submission).

Conditions:
Rhabdoid tumor predisposition syndrome 2 (RTPS2). Identifiers: Orphanet 231108, Orphanet 69077, MedGen C2750074, MONDO:0013224, OMIM 613325.

Submission:

Labcorp Genetics (formerly Invitae), Labcorp
Classification: Uncertain significance for Rhabdoid tumor predisposition syndrome 2. Last evaluated: 2025-05-05. Review status: criteria provided, single submitter. Criteria: Invitae Variant Classification Sherloc (09022015). Collection method: clinical testing. Allele origin: germline.
Comment: This sequence change replaces lysine, which is basic and polar, with isoleucine, which is neutral and non-polar, at codon 1391 of the SMARCA4 protein (p.Lys1391Ile). This variant is not present in population databases (gnomAD no frequency). This variant has not been reported in the literature in individuals affected with SMARCA4-related conditions. An algorithm developed to predict the effect of missense changes on protein structure and function (PolyPhen-2) suggests that this variant is likely to be tolerated. In summary, the available evidence is currently insufficient to determine the role of this variant in disease. Therefore, it has been classified as a Variant of Uncertain Significance.